The following is an entry in ClinVar:

ClinVar aggregate classification (germline): Likely pathogenic (1 of 4 stars; one submission).

Conditions:
Primary ciliary dyskinesia 3. Identifiers: Orphanet 244, MedGen C1837618, MONDO:0012085, OMIM 608644.

Submission:

Myriad Genetics, Inc.
Classification: Likely pathogenic for Primary ciliary dyskinesia 3. Last evaluated: 2022-02-20. Review status: criteria provided, single submitter. Criteria: Myriad Women's Health Autosomal Recessive and X-Linked Classification Criteria (2021). Collection method: clinical testing. Allele origin: unknown.
Comment: NM_001369.2(DNAH5):c.5198_5199delCGinsT(S1733Lfs*11) is expected to be pathogenic in the context of DNAH5-related primary ciliary dyskinesia. This variant is predicted to lead to an abnormal or absent protein product due to the creation of a premature termination codon in DNAH5, a gene where loss-of-function variants are known to be pathogenic. Please note: this variant was assessed in the context of healthy population screening.

NM_001369.3(DNAH5):c.5198_5199delinsT (p.Ser1733fs)

Gene: DNAH5 (dynein axonemal heavy chain 5; minus strand). Cytogenetic location: 5p15.2.
Variant type: Indel.
Coding change: c.5198_5199delinsT on transcript NM_001369.3 (MANE Select); coding-DNA positions 5198 to 5199, CG replaced by T.
Protein change: p.Ser1733fs; shifts the reading frame from serine 1733.
Molecular consequence: frameshift variant.
Genome position (GRCh38, 1-based): chr5:13,844,909-13,844,910, CG replaced by A on the plus strand (CG replaced by T on the coding strand, the reverse complement: DNAH5 is on the minus strand). VCF-style: chr5-13844909-CG-A. GRCh37 (hg19) VCF-style: chr5-13845018-CG-A.
Other names: short protein forms S1733fs.
Identifiers: ClinVar variation 1724601 (VCV001724601.2), dbSNP rs2546922894, ClinGen allele CA2580072033.